The following is an entry in ClinVar:

NM_001048174.2(MUTYH):c.477G>T (p.Gln159His)

Gene: MUTYH (mutY DNA glycosylase; minus strand). Cytogenetic location: 1p34.1.
Variant type: single nucleotide variant.
Coding change: c.477G>T on transcript NM_001048174.2 (MANE Select); coding-DNA position 477, G replaced by T.
Protein change: p.Gln159His; replaces glutamine 159 with histidine.
Molecular consequence: missense variant. On other transcripts: non-coding transcript variant (7).
Genome position (GRCh38, 1-based): chr1:45,332,778, C>A on the plus strand (G>T on the coding strand, the complement: MUTYH is on the minus strand). VCF-style: chr1-45332778-C-A. GRCh37 (hg19) VCF-style: chr1-45798450-C-A.
Other names: c.480G>T, p.Gln160His (NM_001407078.1, NM_001407086.1, NM_001048172.2 and 1 more transcripts); c.438G>T, p.Gln146His (NM_001407079.1); c.435G>T, p.Gln145His (NM_001407080.1); c.477G>T, p.Gln159His (NM_001407081.1, NM_001407088.1, NM_001048171.2 and 6 more transcripts); c.132G>T, p.Gln44His (NM_001407082.1, NM_001350650.2, NM_001350651.2); c.519G>T, p.Gln173His (NM_001407083.1, NM_001407085.1); c.498G>T, p.Gln166His (NM_001407087.1); c.561G>T, p.Gln187His (NM_001128425.2); and 5 more; short protein forms Q131H, Q159H, Q173H, Q166H, Q174H, Q187H, Q145H, Q44H.
Identifiers: ClinVar variation 2855398 (VCV002855398.4), dbSNP rs1645183270, ClinGen allele CA340135591.

ClinVar aggregate classification (germline): Uncertain significance. Review status: criteria provided, multiple submitters, no conflicts (2 of 4 stars). 2 submissions from 2 submitters: Uncertain significance (2). Last evaluated 2025-08-27.

Conditions:
Familial adenomatous polyposis 2. Also called: COLORECTAL ADENOMATOUS POLYPOSIS, AUTOSOMAL RECESSIVE; ADENOMAS, MULTIPLE COLORECTAL, AUTOSOMAL RECESSIVE; MUTYH-related attenuated familial adenomatous polyposis; MUTYH-associated polyposis; MYH-associated polyposis; MUTYH Polyposis. Identifiers: Orphanet 220460, Orphanet 247798, MedGen C3272841, MONDO:0012041, OMIM 608456.
Hereditary cancer-predisposing syndrome. Also called: Tumor predisposition; Hereditary neoplastic syndrome; Hereditary Cancer Syndrome; Neoplastic Syndromes, Hereditary. Identifiers: Orphanet 140162, MedGen C0027672, MeSH D009386, MONDO:0015356.

Submissions (2):

Ambry Genetics
Classification: Uncertain significance for Hereditary cancer-predisposing syndrome. Last evaluated: 2025-08-27. Review status: criteria provided, single submitter. Criteria: Ambry Variant Classification Scheme 2023. Collection method: clinical testing. Allele origin: germline.
Comment: The p.Q187H variant (also known as c.561G>T), located in coding exon 7 of the MUTYH gene, results from a G to T substitution at nucleotide position 561. The glutamine at codon 187 is replaced by histidine, an amino acid with highly similar properties. This amino acid position is conserved. In addition, this alteration is predicted to be tolerated by in silico analysis. Based on the available evidence, the clinical significance of this variant remains unclear.

Labcorp Genetics (formerly Invitae), Labcorp
Classification: Uncertain significance for Familial adenomatous polyposis 2. Last evaluated: 2023-04-12. Review status: criteria provided, single submitter. Criteria: Invitae Variant Classification Sherloc (09022015). Collection method: clinical testing. Allele origin: germline.
Comment: In summary, the available evidence is currently insufficient to determine the role of this variant in disease. Therefore, it has been classified as a Variant of Uncertain Significance. Algorithms developed to predict the effect of missense changes on protein structure and function output the following: SIFT: "Not Available"; PolyPhen-2: "Benign"; Align-GVGD: "Not Available". The histidine amino acid residue is found in multiple mammalian species, which suggests that this missense change does not adversely affect protein function. This variant has not been reported in the literature in individuals affected with MUTYH-related conditions. This variant is not present in population databases (gnomAD no frequency). This sequence change replaces glutamine, which is neutral and polar, with histidine, which is basic and polar, at codon 187 of the MUTYH protein (p.Gln187His).